The following is an entry in ClinVar:

ClinVar aggregate classification (germline): Uncertain significance (1 of 4 stars; one submission).

Conditions:
Long QT syndrome (LQTS). Identifiers: MedGen C0023976, MeSH D008133, MONDO:0002442. Disease mechanism: loss of function. Inheritance: Various modes of inheritance.

Allele frequency attached by ClinVar (database versions not stated): gnomAD exomes below 0.00001; TOPMed below 0.00001; gnomAD 0.00001.
gnomAD v4.1: 5 of 1,612,926 alleles (0.00031%); highest among the groups gnomAD compares: East Asian, 0.0022%; no homozygotes.

Submission:

Labcorp Genetics (formerly Invitae), Labcorp
Classification: Uncertain significance for Long QT syndrome. Last evaluated: 2022-07-19. Review status: criteria provided, single submitter. Criteria: Invitae Variant Classification Sherloc (09022015). Collection method: clinical testing. Allele origin: germline.
Comment: This sequence change replaces glycine, which is neutral and non-polar, with alanine, which is neutral and non-polar, at codon 436 of the CACNA1C protein (p.Gly436Ala). This variant is present in population databases (no rsID available, gnomAD 0.1%). In summary, the available evidence is currently insufficient to determine the role of this variant in disease. Therefore, it has been classified as a Variant of Uncertain Significance. Algorithms developed to predict the effect of missense changes on protein structure and function are either unavailable or do not agree on the potential impact of this missense change (SIFT: "Deleterious"; PolyPhen-2: "Probably Damaging"; Align-GVGD: "Class C0"). This variant has not been reported in the literature in individuals affected with CACNA1C-related conditions.

NM_000719.7(CACNA1C):c.1307G>C (p.Gly436Ala)

Gene: CACNA1C (calcium voltage-gated channel subunit alpha1 C; plus strand). Cytogenetic location: 12p13.33.
Variant type: single nucleotide variant.
Coding change: c.1307G>C on transcript NM_000719.7 (MANE Select); coding-DNA position 1307, G replaced by C.
Protein change: p.Gly436Ala; replaces glycine 436 with alanine.
Molecular consequence: missense variant.
Genome position (GRCh38, 1-based): chr12:2,512,901, G>C. VCF-style: chr12-2512901-G-C. GRCh37 (hg19) VCF-style: chr12-2622067-G-C.
Other names: c.1307G>C, p.Gly436Ala (NM_001129827.2, NM_001129829.2, NM_001129830.3 and 18 more transcripts); c.1298G>C, p.Gly433Ala (NM_001129844.2); short protein forms G433A, G436A.
Identifiers: ClinVar variation 2156998 (VCV002156998.2), dbSNP rs1194149645, ClinGen allele CA383367094.